The following is an entry in ClinVar:

ClinVar aggregate classification (germline): Pathogenic (0 of 4 stars; one submission).

Conditions:
Alkaptonuria (AKU). Also called: Alkaptonuric ochronosis; Homogentisic acidura; HOMOGENTISIC ACID OXIDASE DEFICIENCY; Alcaptonuria. Identifiers: Orphanet 56, MedGen C0002066, MONDO:0008753, OMIM 203500.

Submission:

Department Of Human Genetics, Institute Of Clinical And Translational Research, Biomedical Research Center, Slovak Academy Of Sciences
Classification: Pathogenic for Alkaptonuria. Review status: no assertion criteria provided. Collection method: research. Allele origin: germline. Inheritance: Autosomal recessive inheritance. Observed: 1 variant allele.
Comment: The variant was originally described in PMID:12501223. It has been submitted to the HGD gene mutation database (DB-ID: AKU_00091).

Literature cited by the submitters: PubMed 12501223.

NM_000187.4(HGD):c.1016del (p.Met339fs)

Gene: HGD (homogentisate 1,2-dioxygenase; minus strand). Cytogenetic location: 3q13.33.
Variant type: Deletion.
Coding change: c.1016del on transcript NM_000187.4 (MANE Select); coding-DNA position 1016, one base deleted (T; older notation c.1016delT).
Protein change: p.Met339fs; shifts the reading frame from methionine 339.
Molecular consequence: frameshift variant.
Genome position (GRCh38, 1-based): chr3:120,633,319, A deleted on the plus strand (T on the coding strand, the reverse complement: HGD is on the minus strand). VCF-style (leftmost placement, unchanged base first): chr3-120633318-CA-C. GRCh37 (hg19) VCF-style: chr3-120352165-CA-C.
Other names: short protein forms M339fs.
Identifiers: ClinVar variation 2584705 (VCV002584705.2), dbSNP rs2472652678, ClinGen allele CA2582342874.